The following is an entry in ClinVar:

NM_005676.5(RBM10):c.2306C>T (p.Pro769Leu)

Gene: RBM10 (RNA binding motif protein 10; plus strand). Cytogenetic location: Xp11.3.
Variant type: single nucleotide variant.
Coding change: c.2306C>T on transcript NM_005676.5 (MANE Select); coding-DNA position 2306, C replaced by T.
Protein change: p.Pro769Leu; replaces proline 769 with leucine.
Molecular consequence: missense variant.
Genome position (GRCh38, 1-based): chrX:47,185,581, C>T. VCF-style: chrX-47185581-C-T. GRCh37 (hg19) VCF-style: chrX-47044980-C-T.
Other names: c.2075C>T, p.Pro692Leu (NM_001204466.2); c.2303C>T, p.Pro768Leu (NM_001204467.2); c.2501C>T, p.Pro834Leu (NM_001204468.2); c.2072C>T, p.Pro691Leu (NM_152856.3); c.2306C>T (NM_005676.4); short protein forms P834L, P691L, P769L, P692L, P768L.
Identifiers: ClinVar variation 2856618 (VCV002856618.4), dbSNP rs1935845098, ClinGen allele CA412807872.
Genomic context (GRCh38, chrX:47,185,581, plus strand): 5'-GGGAGGAGAAGCTCACCGACTGGCAGAAGCTGGCCTGTCTGCTCTGCCGACGCCAGTTCC[C>T]CAGCAAAGAGGCGCTCATCCGGCACCAGCAGCTCTCAGGGCTCCACAAGGTAACAGCGGA-3'
Protein context (NP_005667.2, residues 759-779): LACLLCRRQF[Pro769Leu]SKEALIRHQQ

ClinVar aggregate classification (germline): Uncertain significance. Review status: criteria provided, multiple submitters, no conflicts (2 of 4 stars). 2 submissions from 2 submitters: Uncertain significance (2). Last evaluated 2023-07-28.

Allele frequency attached by ClinVar (database versions not stated): gnomAD exomes below 0.00001; TOPMed below 0.00001.
gnomAD v4.1: 1 of 1,204,306 alleles (0.000083%); highest among the groups gnomAD compares: Non-Finnish European, 0.00011%; no homozygotes.

Submissions (2):

GeneDx
Classification: Uncertain significance. Last evaluated: 2023-07-28. Review status: criteria provided, single submitter. Criteria: GeneDx Variant Classification Process June 2021. Collection method: clinical testing. Allele origin: germline. Affected: yes.
Comment: Not observed at significant frequency in large population cohorts (gnomAD); In silico analysis supports that this missense variant has a deleterious effect on protein structure/function; Has not been previously published as pathogenic or benign to our knowledge

Labcorp Genetics (formerly Invitae), Labcorp
Classification: Uncertain significance. Last evaluated: 2023-07-12. Review status: criteria provided, single submitter. Criteria: Invitae Variant Classification Sherloc (09022015). Collection method: clinical testing. Allele origin: germline.
Comment: This variant has not been reported in the literature in individuals affected with RBM10-related conditions. Advanced modeling of protein sequence and biophysical properties (such as structural, functional, and spatial information, amino acid conservation, physicochemical variation, residue mobility, and thermodynamic stability) has been performed at Invitae for this missense variant, however the output from this modeling did not meet the statistical confidence thresholds required to predict the impact of this variant on RBM10 protein function. In summary, the available evidence is currently insufficient to determine the role of this variant in disease. Therefore, it has been classified as a Variant of Uncertain Significance. This sequence change replaces proline, which is neutral and non-polar, with leucine, which is neutral and non-polar, at codon 769 of the RBM10 protein (p.Pro769Leu). This variant is not present in population databases (gnomAD no frequency).